The following is an entry in ClinVar:

ClinVar aggregate classification (germline): Conflicting classifications of pathogenicity. Review status: criteria provided, conflicting classifications (1 of 4 stars). 5 submissions from 5 submitters: Uncertain significance (4); Likely benign (1). Last evaluated 2024-12-01.

Conditions:
Intellectual developmental disorder, autosomal recessive 5. Also called: Intellectual disability, autosomal recessive 5. Identifiers: Orphanet 88616, MedGen C1970199, MONDO:0012613, OMIM 611091.
Inborn genetic diseases. Identifiers: MedGen C0950123, MeSH D030342.

Allele frequency attached by ClinVar (database versions not stated): gnomAD exomes 0.00009 and 0.00007; TOPMed 0.00012; ExAC 0.00011; ESP Exome Variant Server 0.00008; gnomAD 0.00009.
gnomAD v4.1: 127 of 1,613,480 alleles (0.0079%); highest among the groups gnomAD compares: Middle Eastern, 0.087%; no homozygotes.

Submissions (5):

CeGaT Center for Human Genetics Tuebingen
Classification: Uncertain significance. Last evaluated: 2024-12-01. Review status: criteria provided, single submitter. Criteria: CeGaT Center For Human Genetics Tuebingen Variant Classification Criteria Version 2. Collection method: clinical testing. Allele origin: germline. Affected: yes. Observed: 1 variant allele.
Comment: NSUN2: PM2, BP4

Blueprint Genetics
Classification: Likely benign. Last evaluated: 2024-07-16. Review status: criteria provided, single submitter. Criteria: ACMG Guidelines, 2015. Collection method: clinical testing. Allele origin: germline.

Ambry Genetics
Classification: Uncertain significance for Inborn genetic diseases. Last evaluated: 2023-12-20. Review status: criteria provided, single submitter. Criteria: Ambry Variant Classification Scheme 2023. Collection method: clinical testing. Allele origin: germline.

Labcorp Genetics (formerly Invitae), Labcorp
Classification: Uncertain significance. Last evaluated: 2023-11-27. Review status: criteria provided, single submitter. Criteria: Invitae Variant Classification Sherloc (09022015). Collection method: clinical testing. Allele origin: germline.
Comment: This sequence change replaces alanine, which is neutral and non-polar, with valine, which is neutral and non-polar, at codon 761 of the NSUN2 protein (p.Ala761Val). This variant is present in population databases (rs375624381, gnomAD 0.01%). This variant has not been reported in the literature in individuals affected with NSUN2-related conditions. ClinVar contains an entry for this variant (Variation ID: 907874). An algorithm developed to predict the effect of missense changes on protein structure and function (PolyPhen-2) suggests that this variant¬†is likely to be tolerated. In summary, the available evidence is currently insufficient to determine the role of this variant in disease. Therefore, it has been classified as a Variant of Uncertain Significance.

Illumina Laboratory Services, Illumina
Classification: Uncertain significance for Intellectual developmental disorder, autosomal recessive 5. Last evaluated: 2018-01-12. Review status: criteria provided, single submitter. Criteria: ICSL Variant Classification Criteria 13 December 2019. Collection method: clinical testing. Allele origin: germline.

NM_017755.6(NSUN2):c.2282C>T (p.Ala761Val)

Gene: NSUN2 (NOP2/Sun RNA methyltransferase 2; minus strand). Cytogenetic location: 5p15.31.
Variant type: single nucleotide variant.
Coding change: c.2282C>T on transcript NM_017755.6 (MANE Select); coding-DNA position 2282, C replaced by T.
Protein change: p.Ala761Val; replaces alanine 761 with valine.
Molecular consequence: missense variant. On other transcripts: non-coding transcript variant (1).
Genome position (GRCh38, 1-based): chr5:6,599,948, G>A on the plus strand (C>T on the coding strand, the complement: NSUN2 is on the minus strand). VCF-style: chr5-6599948-G-A. GRCh37 (hg19) VCF-style: chr5-6600061-G-A.
Other names: c.2177C>T, p.Ala726Val (NM_001193455.2); short protein forms A761V, A726V.
Identifiers: ClinVar variation 907874 (VCV000907874.22), dbSNP rs375624381, ClinGen allele CA3192129.